The following is an entry in ClinVar:

ClinVar aggregate classification (germline): Conflicting classifications of pathogenicity. Review status: criteria provided, conflicting classifications (1 of 4 stars). 14 submissions from 13 submitters: Uncertain significance (9); Likely benign (2). 3 of the submissions do not count toward it. Last evaluated 2025-12-08.

Conditions:
Pheochromocytoma. Also called: MAX-Related Hereditary Paraganglioma-Pheochromocytoma Syndrome. Identifiers: Orphanet 29072, MedGen C0031511, MONDO:0008233, OMIM 171300, HP:0002666.
Hirschsprung disease, susceptibility to, 1 (HSCR1). Also called: RET-Related Hirschsprung Disease. Identifiers: Orphanet 388, MedGen C3888239, MONDO:0007723, OMIM 142623.
Familial medullary thyroid carcinoma (MTC). Also called: Thyroid cancer, familial medullary; MTC, familial; Familial Medullary Thyroid Carcinoma (FMTC). Identifiers: Orphanet 653, Orphanet 99361, MedGen C1833921, MONDO:0007958, OMIM 155240.
Multiple endocrine neoplasia type 2B. Also called: MEN IIB; NEUROMATA, MUCOSAL, WITH ENDOCRINE TUMORS; WAGENMANN-FROBOESE SYNDROME; MULTIPLE ENDOCRINE NEOPLASIA, TYPE III; MULTIPLE ENDOCRINE NEOPLASIA, TYPE IIB; MEN 2B. Identifiers: Orphanet 247709, Orphanet 653, MedGen C0025269, MeSH D018814, MONDO:0008082, OMIM 162300.
Multiple endocrine neoplasia type 2A. Also called: Multiple Endocrine Neoplasia Type 2A (MEN2A); MULTIPLE ENDOCRINE NEOPLASIA, TYPE IIA; PTC SYNDROME; SIPPLE SYNDROME; MEN 2A; MEN-2A syndrome. Identifiers: Orphanet 247698, Orphanet 653, MedGen C0025268, MeSH D018813, MONDO:0008234, OMIM 171400.
RET-related disorder. Also called: RET-related disorders; RET-related condition; RET-related disease.
Hereditary cancer-predisposing syndrome. Also called: Tumor predisposition; Hereditary neoplastic syndrome; Hereditary Cancer Syndrome; Neoplastic Syndromes, Hereditary. Identifiers: Orphanet 140162, MedGen C0027672, MeSH D009386, MONDO:0015356.
Multiple endocrine neoplasia, type 2 (MEN2). Identifiers: Orphanet 653, MedGen C4048306, MONDO:0019003. Disease mechanism: gain of function.

Allele frequency attached by ClinVar (database versions not stated): TOPMed 0.00009.
gnomAD v4.1: 63 of 1,614,000 alleles (0.0039%); highest among the groups gnomAD compares: Non-Finnish European, 0.0052%; no homozygotes.

Submissions (14):

PreventionGenetics, part of Exact Sciences
Classification: Uncertain significance for RET-related condition. Last evaluated: 2025-12-08. Review status: criteria provided, single submitter. Criteria: ACMG Guidelines, 2015. Collection method: clinical testing. Allele origin: germline.
Comment: The RET c.2348A>C variant is predicted to result in the amino acid substitution p.Asn783Thr. To our knowledge, this variant has not been reported in the literature in individuals with RET-related disease. This variant is reported in 0.0044% of alleles in individuals of European (Non-Finnish) descent in gnomAD and has conflicting interpretations of uncertain significance and likely benign in ClinVar (Variation ID: 135178). An alternate variant at the same amino acid position has been reported in a patient with Hirschsprung disease (p.Asn783Ser; So et al. 2011. PubMed ID: 22174939). While the c.2348A>C, p.Asn783Thr variant may be benign, at this time, the clinical significance of this variant is uncertain due to the absence of conclusive functional and genetic evidence.

Color Diagnostics, LLC DBA Color Health
Classification: Uncertain significance for Multiple endocrine neoplasia, type 2. Last evaluated: 2025-06-13. Review status: criteria provided, single submitter. Criteria: ACMG Guidelines, 2015. Collection method: clinical testing. Allele origin: germline.
Comment: This missense variant replaces asparagine with threonine at codon 783 of the RET protein. Computational prediction is inconclusive regarding the impact of this variant on protein structure and function. To our knowledge, functional studies have not been reported for this variant. This variant has not been reported in individuals affected with RET-related disorders in the literature. This variant has been identified in 5/251344 chromosomes in the general population by the Genome Aggregation Database (gnomAD). The available evidence is insufficient to determine the role of this variant in disease conclusively. Therefore, this variant is classified as a Variant of Uncertain Significance.

Labcorp Genetics (formerly Invitae), Labcorp
Classification: Uncertain significance for Multiple endocrine neoplasia, type 2. Last evaluated: 2025-02-03. Review status: criteria provided, single submitter. Criteria: Invitae Variant Classification Sherloc (09022015). Collection method: clinical testing. Allele origin: germline.
Comment: This sequence change replaces asparagine, which is neutral and polar, with threonine, which is neutral and polar, at codon 783 of the RET protein (p.Asn783Thr). This variant is present in population databases (rs587778656, gnomAD 0.004%). This variant has not been reported in the literature in individuals affected with RET-related conditions. ClinVar contains an entry for this variant (Variation ID: 135178). An algorithm developed to predict the effect of missense changes on protein structure and function (PolyPhen-2) suggests that this variant¬†is likely to be tolerated. In summary, the available evidence is currently insufficient to determine the role of this variant in disease. Therefore, it has been classified as a Variant of Uncertain Significance.

GeneDx
Classification: Uncertain significance. Last evaluated: 2024-06-21. Review status: criteria provided, single submitter. Criteria: GeneDx Variant Classification Process June 2021. Collection method: clinical testing. Allele origin: germline. Affected: yes.
Comment: Not observed at significant frequency in large population cohorts (gnomAD); In silico analysis supports that this missense variant has a deleterious effect on protein structure/function; Has not been previously published as pathogenic or benign to our knowledge; This variant is associated with the following publications: (PMID: 24728327, 14633923, 38769064)

Fulgent Genetics
Classification: Uncertain significance for Hirschsprung disease, susceptibility to, 1; Familial medullary thyroid carcinoma; Multiple endocrine neoplasia type 2B; Pheochromocytoma; Multiple endocrine neoplasia type 2A. Last evaluated: 2024-06-03. Review status: criteria provided, single submitter. Criteria: ACMG Guidelines, 2015. Collection method: clinical testing. Allele origin: germline.

Baylor Genetics
Classification: Uncertain significance for Hirschsprung disease, susceptibility to, 1. Last evaluated: 2023-07-11. Review status: criteria provided, single submitter. Criteria: ACMG Guidelines, 2015. Collection method: clinical testing. Allele origin: unknown.

Ambry Genetics
Classification: Likely benign for Hereditary cancer-predisposing syndrome. Last evaluated: 2023-05-27. Review status: criteria provided, single submitter. Criteria: Ambry Variant Classification Scheme 2023. Collection method: clinical testing. Allele origin: germline.

Myriad Genetics, Inc.
Classification: Likely benign for Multiple endocrine neoplasia type 2A. Last evaluated: 2023-04-18. Review status: criteria provided, single submitter. Criteria: Myriad Autosomal Dominant, Autosomal Recessive and X-Linked Classification Criteria (2023). Collection method: clinical testing. Allele origin: unknown.
Comment: This variant is considered likely benign. This variant has been observed at a population frequency that is significantly greater than expected given the associated disease prevalence and penetrance.

Mendelics
Classification: Uncertain significance for Multiple endocrine neoplasia type 2A. Last evaluated: 2019-05-28. Review status: criteria provided, single submitter. Criteria: Mendelics Assertion Criteria 2017. Collection method: clinical testing. Allele origin: unknown.

ARUP Laboratories, Molecular Genetics and Genomics, ARUP Laboratories
Classification: Uncertain significance. Last evaluated: 2018-03-14. Review status: criteria provided, single submitter. Criteria: ARUP Molecular Germline Variant Investigation Process. Collection method: clinical testing. Allele origin: germline.
Comment: The RET c.2348A>C; p.Asn783Thr variant (rs587778656), to our knowledge, has not been described in the medical literature but has been reported as a variant of uncertain significance by multiple laboratories in ClinVar (Variation ID: 135178) and is observed in the general population at a low overall frequency of 0.002% (5/246198 alleles) in the Genome Aggregation Database. Additionally, another variant at this codon (c.2348A>G; p.Asn783Ser) has been detected in individuals affected with Hirschsprung disease and medullary thyroid cancer (Lebeault 2017, So 2011). The asparagine at codon 783 is highly conserved and computational algorithms (SIFT, PolyPhen2) predict that this variant is deleterious. However, due to limited information regarding this variant, its clinical significance cannot be determined with certainty. References: Lebeault M et al. Nationwide French Study of RET Variants Detected from 2003 to 2013 Suggests a Possible Influence of Polymorphisms as Modifiers. Thyroid. 2017 Dec;27(12):1511-1522. So M et al. RET Mutational Spectrum in Hirschsprung Disease: Evaluation of 601 Chinese Patients. PLoS One. 2011; 6(12): e28986.

Eurofins Ntd Llc (ga)
Classification: Uncertain significance. Last evaluated: 2015-05-12. Review status: criteria provided, single submitter. Criteria: EGL Classification Definitions 2015. Collection method: clinical testing. Allele origin: germline. Observed: 1 variant allele, 1 heterozygote.

Counsyl
Classification: Uncertain significance for Multiple endocrine neoplasia type 2B. Last evaluated: 2016-05-12. Review status: no assertion criteria provided. Collection method: clinical testing. Allele origin: unknown. Not counted in ClinVar's aggregate classification.

Counsyl
Classification: Uncertain significance for Multiple endocrine neoplasia type 2A. Last evaluated: 2016-05-12. Review status: no assertion criteria provided. Collection method: clinical testing. Allele origin: unknown. Not counted in ClinVar's aggregate classification.

ITMI
No classification provided. Condition: AllHighlyPenetrant. Last evaluated: 2013-09-19. Review status: no classification provided. Collection method: reference population. Allele origin: germline. Not counted in ClinVar's aggregate classification.
Comment: Please see associated publication for description of ethnicities

Literature cited by the submitters: PubMed 24728327 (cited by Eurofins Ntd Llc (ga) and ITMI).

NM_020975.6(RET):c.2348A>C (p.Asn783Thr)

Gene: RET (ret proto-oncogene; plus strand). Cytogenetic location: 10q11.21.
Variant type: single nucleotide variant.
Coding change: c.2348A>C on transcript NM_020975.6 (MANE Select); coding-DNA position 2348, A replaced by C.
Protein change: p.Asn783Thr; replaces asparagine 783 with threonine.
Molecular consequence: missense variant.
Genome position (GRCh38, 1-based): chr10:43,118,436, A>C. VCF-style: chr10-43118436-A-C. GRCh37 (hg19) VCF-style: chr10-43613884-A-C.
Other names: c.2348A>C, p.Asn783Thr (NM_000323.2, NM_001406743.1, NM_001406744.1 and 4 more transcripts); c.1586A>C, p.Asn529Thr (NM_001355216.2); c.2219A>C, p.Asn740Thr (NM_001406761.1, NM_001406762.1, NM_001406764.1); c.2213A>C, p.Asn738Thr (NM_001406763.1, NM_001406765.1); c.2060A>C, p.Asn687Thr (NM_001406766.1, NM_001406767.1, NM_001406770.1); c.2084A>C, p.Asn695Thr (NM_001406768.1); c.1952A>C, p.Asn651Thr (NM_001406769.1, NM_001406772.1); c.1910A>C, p.Asn637Thr (NM_001406771.1, NM_001406773.1); and 10 more; short protein forms N783T, N529T, N439T, N651T, N738T, N441T, N444T, N695T.
Identifiers: ClinVar variation 135178 (VCV000135178.35), dbSNP rs587778656, ClinGen allele CA008694.